The following is an entry in ClinVar:

NM_018127.7(ELAC2):c.631C>T (p.Arg211Ter)

Gene: ELAC2 (elaC ribonuclease Z 2; minus strand). Cytogenetic location: 17p12.
Variant type: single nucleotide variant.
Coding change: c.631C>T on transcript NM_018127.7 (MANE Select); coding-DNA position 631, C replaced by T.
Protein change: p.Arg211Ter; replaces arginine 211 with a stop codon.
Molecular consequence: nonsense. On other transcripts: intron variant (1).
Genome position (GRCh38, 1-based): chr17:13,011,711, G>A on the plus strand (C>T on the coding strand, the complement: ELAC2 is on the minus strand). VCF-style: chr17-13011711-G-A. GRCh37 (hg19) VCF-style: chr17-12915028-G-A.
Other names: c.631C>T, p.Arg211Ter (NM_173717.2); c.560-1040C>T (NM_001165962.2); short protein forms R211*.
Identifiers: ClinVar variation 1368043 (VCV001368043.6), dbSNP rs761881815, ClinGen allele CA8401572.

ClinVar aggregate classification (germline): Conflicting classifications of pathogenicity. Review status: criteria provided, conflicting classifications (1 of 4 stars). 3 submissions from 3 submitters: Pathogenic (1); Likely pathogenic (1); Uncertain significance (1). Last evaluated 2024-04-30.

Conditions:
Combined oxidative phosphorylation defect type 17. Also called: Combined oxidative phosphorylation deficiency 17. Identifiers: Orphanet 369913, MedGen C3809526, MONDO:0014190, OMIM 615440.
ELAC2-related disorders.

Allele frequency attached by ClinVar (database versions not stated): ExAC 0.00001; gnomAD 0.00001; gnomAD exomes 0.00001; TOPMed 0.00001.

Submissions (3):

GeneDx
Classification: Pathogenic. Last evaluated: 2024-04-30. Review status: criteria provided, single submitter. Criteria: GeneDx Variant Classification Process June 2021. Collection method: clinical testing. Allele origin: germline. Affected: yes.
Comment: Published functional studies show an increase in the level of unprocessed mt-tRNAs potentially related to a defect in mtRNA translation, however additional studies are needed to validate the functional effect of this variant (PMID: 23849775); Nonsense variant predicted to result in protein truncation or nonsense mediated decay in a gene for which loss-of-function is a known mechanism of disease; Not observed at significant frequency in large population cohorts (gnomAD); This variant is associated with the following publications: (PMID: 29302266, 36687274, 27769300, 23849775, 36359908, 35379322)

Blueprint Genetics
Classification: Likely pathogenic for ELAC2-related disorders. Last evaluated: 2023-03-16. Review status: criteria provided, single submitter. Criteria: ACMG Guidelines, 2015. Collection method: clinical testing. Allele origin: germline. Affected: yes. Observed: 3 variant alleles.

Labcorp Genetics (formerly Invitae), Labcorp
Classification: Uncertain significance for Combined oxidative phosphorylation defect type 17. Last evaluated: 2021-11-26. Review status: criteria provided, single submitter. Criteria: Invitae Variant Classification Sherloc (09022015). Collection method: clinical testing. Allele origin: germline.
Comment: This sequence change creates a premature translational stop signal (p.Arg211*) in the ELAC2 gene. However, it is currently unclear if variants that occur in this region of the gene cause disease. This variant is present in population databases (rs761881815, gnomAD 0.007%). This premature translational stop signal has been observed in individual(s) with hypertrophic cardiomyopathy (PMID: 23849775). It has also been observed to segregate with disease in related individuals. In summary, the available evidence is currently insufficient to determine the role of this variant in disease. Therefore, it has been classified as a Variant of Uncertain Significance.

Literature cited by the submitters: PubMed 23849775 (cited by Labcorp Genetics (formerly Invitae), Labcorp).